The following is an entry in ClinVar:

ClinVar aggregate classification (germline): Uncertain significance (1 of 4 stars; one submission).

Conditions:
SLCO1B1-related disorder. Also called: SLCO1B1-related condition.

gnomAD v4.1: 66 of 1,567,176 alleles (0.0042%); highest among the groups gnomAD compares: Non-Finnish European, 0.0056%; no homozygotes.

Submission:

PreventionGenetics, part of Exact Sciences
Classification: Uncertain significance for SLCO1B1-related condition. Last evaluated: 2024-11-26. Review status: criteria provided, single submitter. Criteria: ACMG Guidelines, 2015. Collection method: clinical testing. Allele origin: germline.
Comment: The SLCO1B1 c.1878G>C variant is predicted to result in the amino acid substitution p.Leu626Phe. To our knowledge, this variant has not been reported in the literature. This variant is reported in 0.0086% of alleles in individuals of European (Non-Finnish) descent in gnomAD. At this time, the clinical significance of this variant is uncertain due to the absence of conclusive functional and genetic evidence.

NM_006446.5(SLCO1B1):c.1878G>C (p.Leu626Phe)

Gene: SLCO1B1 (solute carrier organic anion transporter family member 1B1; plus strand). Cytogenetic location: 12p12.1.
Variant type: single nucleotide variant.
Coding change: c.1878G>C on transcript NM_006446.5 (MANE Select); coding-DNA position 1878, G replaced by C.
Protein change: p.Leu626Phe; replaces leucine 626 with phenylalanine.
Molecular consequence: missense variant.
Genome position (GRCh38, 1-based): chr12:21,238,991, G>C. VCF-style: chr12-21238991-G-C. GRCh37 (hg19) VCF-style: chr12-21391925-G-C.
Other names: short protein forms L626F.
Identifiers: ClinVar variation 4979066 (VCV004979066.1).